The following is an entry in ClinVar:

ClinVar aggregate classification (germline): Conflicting classifications of pathogenicity. Review status: criteria provided, conflicting classifications (1 of 4 stars). 5 submissions from 5 submitters: Uncertain significance (4); Likely benign (1). Last evaluated 2025-12-09.

Conditions:
Juvenile polyposis syndrome (JPS). Identifiers: Orphanet 2929, MedGen C0345893, MONDO:0017380, OMIM 174900.
Hereditary cancer-predisposing syndrome. Also called: Hereditary neoplastic syndrome; Hereditary Cancer Syndrome; Neoplastic Syndromes, Hereditary; Tumor predisposition. Identifiers: Orphanet 140162, MedGen C0027672, MeSH D009386, MONDO:0015356.

Allele frequency attached by ClinVar (database versions not stated): gnomAD exomes 0.00002.
gnomAD v4.1: 25 of 1,614,164 alleles (0.0015%); highest among the groups gnomAD compares: African/African-American, 0.0027%; no homozygotes.

Submissions (5):

Labcorp Genetics (formerly Invitae), Labcorp
Classification: Uncertain significance for Juvenile polyposis syndrome. Last evaluated: 2025-12-09. Review status: criteria provided, single submitter. Criteria: Invitae Variant Classification Sherloc (09022015). Collection method: clinical testing. Allele origin: germline.
Comment: This sequence change replaces isoleucine, which is neutral and non-polar, with valine, which is neutral and non-polar, at codon 72 of the BMPR1A protein (p.Ile72Val). This variant is not present in population databases (gnomAD no frequency). This variant has not been reported in the literature in individuals affected with BMPR1A-related conditions. ClinVar contains an entry for this variant (Variation ID: 422358). Invitae Evidence Modeling incorporating data from in vitro experimental studies (internal data) indicates that this missense variant is not expected to disrupt BMPR1A function with a negative predictive value of 95%. In summary, the available evidence is currently insufficient to determine the role of this variant in disease. Therefore, it has been classified as a Variant of Uncertain Significance.

Ambry Genetics
Classification: Likely benign for Hereditary cancer-predisposing syndrome. Last evaluated: 2024-03-22. Review status: criteria provided, single submitter. Criteria: Ambry Variant Classification Scheme 2023. Collection method: clinical testing. Allele origin: germline.

Color Diagnostics, LLC DBA Color Health
Classification: Uncertain significance for Hereditary cancer-predisposing syndrome. Last evaluated: 2024-03-06. Review status: criteria provided, single submitter. Criteria: ACMG Guidelines, 2015. Collection method: clinical testing. Allele origin: germline.
Comment: This missense variant replaces isoleucine with valine at codon 72 of the BMPR1A protein. Computational prediction suggests that this variant may not impact protein structure and function (internally defined REVEL score threshold <= 0.5, PMID: 27666373). To our knowledge, functional studies have not been reported for this variant. This variant has not been reported in individuals affected with BMPR1A-related disorders in the literature. This variant has not been identified in the general population by the Genome Aggregation Database (gnomAD). The available evidence is insufficient to determine the role of this variant in disease conclusively. Therefore, this variant is classified as a Variant of Uncertain Significance.

All of Us Research Program, National Institutes of Health
Classification: Uncertain significance for Juvenile polyposis syndrome. Last evaluated: 2023-09-17. Review status: criteria provided, single submitter. Criteria: ACMG Guidelines, 2015. Collection method: clinical testing. Allele origin: germline. Inheritance: Autosomal dominant inheritance. Observed: 1 variant allele, 1 heterozygote.
Comment: This missense variant replaces isoleucine with valine at codon 72 of the BMPR1A protein. Computational prediction suggests that this variant may not impact protein structure and function (internally defined REVEL score threshold <= 0.5, PMID: 27666373). To our knowledge, functional studies have not been reported for this variant. This variant has not been reported in individuals affected with BMPR1A-related disorders in the literature. This variant has not been identified in the general population by the Genome Aggregation Database (gnomAD). The available evidence is insufficient to determine the role of this variant in disease conclusively. Therefore, this variant is classified as a Variant of Uncertain Significance.

This study involves interpretation of variants in research participants for the purpose of population health screening. Participant phenotype was not available at the time of variant classification. Additional details can be found in publication PMID: 35346344, PMCID: PMC8962531

GeneDx
Classification: Uncertain significance. Last evaluated: 2019-12-06. Review status: criteria provided, single submitter. Criteria: GeneDx Variant Classification Process June 2021. Collection method: clinical testing. Allele origin: germline. Affected: yes.
Comment: Has not been previously published as pathogenic or benign to our knowledge; In silico analysis, which includes protein predictors and evolutionary conservation, supports that this variant does not alter protein structure/function; Not observed in large population cohorts (Lek 2016)

NM_004329.3(BMPR1A):c.214A>G (p.Ile72Val)

Gene: BMPR1A (bone morphogenetic protein receptor type 1A; plus strand). Cytogenetic location: 10q23.2.
Variant type: single nucleotide variant.
Coding change: c.214A>G on transcript NM_004329.3 (MANE Select); coding-DNA position 214, A replaced by G.
Protein change: p.Ile72Val; replaces isoleucine 72 with valine.
Molecular consequence: missense variant.
Genome position (GRCh38, 1-based): chr10:86,890,208, A>G. VCF-style: chr10-86890208-A-G. GRCh37 (hg19) VCF-style: chr10-88649965-A-G.
Other names: short protein forms I72V.
Identifiers: ClinVar variation 422358 (VCV000422358.22), dbSNP rs1064795729, ClinGen allele CA16618998.
Genomic context (GRCh38, chr10:86,890,208, plus strand): 5'-CCAGAGGATACCTTGCCTTTTTTAAAGTGCTATTGCTCAGGGCACTGTCCAGATGATGCT[A>G]TTAATAACACATGCATGTAAGTATTTTATGCAGCCCTTCTTAAGAGTTAGGAGAATAGAG-3'
Protein context (NP_004320.2, residues 62-82): YCSGHCPDDA[Ile72Val]NNTCITNGHC